The following is an entry in ClinVar:

ClinVar aggregate classification (germline): Pathogenic. Review status: criteria provided, multiple submitters, no conflicts (2 of 4 stars). 2 submissions from 2 submitters: Pathogenic (2). Last evaluated 2024-08-06.

Conditions:
Ataxia-telangiectasia syndrome (AT). Also called: Ataxia-telangiectasia, complementation group D; AT, COMPLEMENTATION GROUP C; ATAXIA-TELANGIECTASIA, COMPLEMENTATION GROUP A; ATAXIA-TELANGIECTASIA, FRESNO VARIANT; Ataxia-telangiectasia; LOUIS-BAR SYNDROME. Identifiers: Orphanet 100, MedGen C0004135, MONDO:0008840, OMIM 208900.
Familial cancer of breast. Also called: Hereditary breast cancer; BREAST CANCER, FAMILIAL; hereditary breast carcinoma. Identifiers: Orphanet 227535, MedGen C0346153, MONDO:0016419, OMIM 114480. Disease mechanism: loss of function.

Submissions (2):

Myriad Genetics, Inc.
Classification: Pathogenic for Familial cancer of breast. Last evaluated: 2024-08-06. Review status: criteria provided, single submitter. Criteria: Myriad Autosomal Dominant, Autosomal Recessive and X-Linked Classification Criteria (2023). Collection method: clinical testing. Allele origin: unknown.
Comment: This variant is considered pathogenic. This variant creates a frameshift predicted to result in premature protein truncation.

Labcorp Genetics (formerly Invitae), Labcorp
Classification: Pathogenic for Ataxia-telangiectasia syndrome. Last evaluated: 2022-08-23. Review status: criteria provided, single submitter. Criteria: Invitae Variant Classification Sherloc (09022015). Collection method: clinical testing. Allele origin: germline.
Comment: ClinVar contains an entry for this variant (Variation ID: 647723). This variant has not been reported in the literature in individuals affected with ATM-related conditions. This variant is not present in population databases (gnomAD no frequency). This sequence change creates a premature translational stop signal (p.Leu2544Glnfs*20) in the ATM gene. It is expected to result in an absent or disrupted protein product. Loss-of-function variants in ATM are known to be pathogenic (PMID: 23807571, 25614872). For these reasons, this variant has been classified as Pathogenic.

Literature cited by the submitters: PubMed 23807571 (cited by Labcorp Genetics (formerly Invitae), Labcorp); PubMed 25614872 (cited by Labcorp Genetics (formerly Invitae), Labcorp).

NM_000051.4(ATM):c.7631del (p.Leu2544fs)

Genes: C11orf65 (chromosome 11 open reading frame 65; minus strand), ATM (ATM serine/threonine kinase; plus strand). Cytogenetic location: 11q22.3.
Variant type: Deletion.
Coding change: c.7631del on transcript NM_000051.4 (MANE Select); coding-DNA position 7631, one base deleted (T; older notation c.7631delT).
Protein change: p.Leu2544fs; shifts the reading frame from leucine 2544.
Molecular consequence: frameshift variant. On other transcripts: intron variant (2).
Genome position (GRCh38, 1-based): chr11:108,331,880, T deleted. VCF-style (leftmost placement, unchanged base first): chr11-108331879-CT-C. GRCh37 (hg19) VCF-style: chr11-108202606-CT-C.
Other names: c.7631del, p.Leu2544fs (NM_001351834.2); c.641-22809del (NM_001330368.2); c.*38+3340del (NM_001351110.2); short protein forms L2544fs.
Identifiers: ClinVar variation 647723 (VCV000647723.9), dbSNP rs1591171040, ClinGen allele CA915948293.